The following is an entry in ClinVar:

ClinVar aggregate classification (germline): Uncertain significance. Review status: criteria provided, multiple submitters, no conflicts (2 of 4 stars). 3 submissions from 3 submitters: Uncertain significance (3). Last evaluated 2025-01-26.

Conditions:
Primary ciliary dyskinesia 34. Also called: CILIARY DYSKINESIA, PRIMARY, 34, WITHOUT SITUS INVERSUS. Identifiers: Orphanet 244, MedGen C4310722, MONDO:0014909, OMIM 617091.

Allele frequency attached by ClinVar (database versions not stated): ESP Exome Variant Server 0.00039.
gnomAD v4.1: 68 of 1,614,018 alleles (0.0042%); highest among the groups gnomAD compares: African/African-American, 0.067%; no homozygotes.

Submissions (3):

Ambry Genetics
Classification: Uncertain significance. Last evaluated: 2025-01-26. Review status: criteria provided, single submitter. Criteria: Ambry Variant Classification Scheme 2023. Collection method: clinical testing. Allele origin: germline.

Labcorp Genetics (formerly Invitae), Labcorp
Classification: Uncertain significance. Last evaluated: 2022-03-25. Review status: criteria provided, single submitter. Criteria: Invitae Variant Classification Sherloc (09022015). Collection method: clinical testing. Allele origin: germline.
Comment: This sequence change replaces arginine, which is basic and polar, with cysteine, which is neutral and slightly polar, at codon 222 of the DNAJB13 protein (p.Arg222Cys). This variant is present in population databases (rs146910386, gnomAD 0.08%). This variant has not been reported in the literature in individuals affected with DNAJB13-related conditions. Algorithms developed to predict the effect of missense changes on protein structure and function are either unavailable or do not agree on the potential impact of this missense change (SIFT: "Deleterious"; PolyPhen-2: "Possibly Damaging"; Align-GVGD: "Class C15"). In summary, the available evidence is currently insufficient to determine the role of this variant in disease. Therefore, it has been classified as a Variant of Uncertain Significance.

Revvity Omics, Revvity
Classification: Uncertain significance for Primary ciliary dyskinesia 34. Last evaluated: 2021-12-07. Review status: criteria provided, single submitter. Criteria: ACMG Guidelines, 2015. Collection method: clinical testing. Allele origin: germline.

NM_153614.4(DNAJB13):c.664C>T (p.Arg222Cys)

Gene: DNAJB13 (DnaJ heat shock protein family (Hsp40) member B13; plus strand). Cytogenetic location: 11q13.4.
Variant type: single nucleotide variant.
Coding change: c.664C>T on transcript NM_153614.4 (MANE Select); coding-DNA position 664, C replaced by T.
Protein change: p.Arg222Cys; replaces arginine 222 with cysteine.
Molecular consequence: missense variant.
Genome position (GRCh38, 1-based): chr11:73,968,402, C>T. VCF-style: chr11-73968402-C-T. GRCh37 (hg19) VCF-style: chr11-73679447-C-T.
Other names: c.664C>T (NM_153614.2, NM_153614.3); c.490C>T, p.Arg164Cys (NM_001377263.1); short protein forms R222C, R164C.
Identifiers: ClinVar variation 2083646 (VCV002083646.6), dbSNP rs146910386, ClinGen allele CA6180851.